The following is an entry in ClinVar:

NM_002206.3(ITGA7):c.999-4A>G

Gene: ITGA7 (integrin subunit alpha 7; minus strand). Cytogenetic location: 12q13.2.
Variant type: single nucleotide variant.
Coding change: c.999-4A>G on transcript NM_002206.3 (MANE Select); 4 bases into the intron before coding-DNA position 999, A replaced by G.
Molecular consequence: intron variant.
Genome position (GRCh38, 1-based): chr12:55,698,580, T>C on the plus strand (A>G on the coding strand, the complement: ITGA7 is on the minus strand). VCF-style: chr12-55698580-T-C. GRCh37 (hg19) VCF-style: chr12-56092364-T-C.
Other names: c.720-4A>G (NM_001144997.2); c.672-4A>G (NM_001367993.1); c.660-4A>G (NM_001414035.1); c.816-4A>G (NM_001414033.1); c.-294-4A>G (NM_001367994.1); c.879-4A>G (NM_001414032.1); c.999-4A>G (NM_001414031.1, NM_001374465.1, NM_001414034.1); c.1011-4A>G (NM_001414030.1, NM_001414029.1, NM_001144996.2); and 1 more.
Identifiers: ClinVar variation 198478 (VCV000198478.16), dbSNP rs370741662, ClinGen allele CA203475.

ClinVar aggregate classification (germline): Benign. Review status: criteria provided, multiple submitters, no conflicts (2 of 4 stars). 4 submissions from 4 submitters: Benign (3). 1 of the submissions does not count toward it. Last evaluated 2026-01-19.

Conditions:
ITGA7-related disorder. Also called: ITGA7-related condition.
Congenital muscular dystrophy due to integrin alpha-7 deficiency. Also called: MYOPATHY, CONGENITAL, DUE TO INTEGRIN ALPHA-7 DEFICIENCY; Congenital muscular dystrophy with integrin alpha-7 deficiency; Muscular dystrophy, congenital, due to ITGA7 deficiency. Identifiers: Orphanet 34520, MedGen C2750786, MONDO:0013177, OMIM 613204.

Allele frequency attached by ClinVar (database versions not stated): gnomAD 0.00033 and 0.00075; TOPMed 0.00045; gnomAD exomes 0.00092 and 0.00222; ExAC 0.00258; 1000 Genomes Project 30x 0.00344; 1000 Genomes Project 0.00359.
gnomAD v4.1: 1,498 of 1,614,038 alleles (0.093%); highest among the groups gnomAD compares: South Asian, 1.4%; 17 homozygotes.

Submissions (4):

Labcorp Genetics (formerly Invitae), Labcorp
Classification: Benign for Congenital muscular dystrophy due to integrin alpha-7 deficiency. Last evaluated: 2026-01-19. Review status: criteria provided, single submitter. Criteria: Invitae Variant Classification Sherloc (09022015). Collection method: clinical testing. Allele origin: germline.

GeneDx
Classification: Benign. Last evaluated: 2018-05-24. Review status: criteria provided, single submitter. Criteria: GeneDx Variant Classification (06012015). Collection method: clinical testing. Allele origin: germline. Affected: yes.
Comment: This variant is considered likely benign or benign based on one or more of the following criteria: it is a conservative change, it occurs at a poorly conserved position in the protein, it is predicted to be benign by multiple in silico algorithms, and/or has population frequency not consistent with disease.

Eurofins Ntd Llc (ga)
Classification: Benign. Last evaluated: 2015-02-06. Review status: criteria provided, single submitter. Criteria: EGL Classification Definitions 2015. Collection method: clinical testing. Allele origin: germline. Observed: 1 variant allele, 1 heterozygote.

PreventionGenetics, part of Exact Sciences
Classification: Benign for ITGA7-related condition. Last evaluated: 2019-05-24. Review status: no assertion criteria provided. Collection method: clinical testing. Allele origin: germline. Not counted in ClinVar's aggregate classification.
Comment: This variant is classified as benign based on ACMG/AMP sequence variant interpretation guidelines (Richards et al. 2015 PMID: 25741868, with internal and published modifications).